The following is an entry in ClinVar:

ClinVar aggregate classification (germline): Conflicting classifications of pathogenicity. Review status: criteria provided, conflicting classifications (1 of 4 stars). 2 submissions from 2 submitters: Uncertain significance (1); Likely benign (1). Last evaluated 2025-12-03.

Conditions:
Inborn genetic diseases. Identifiers: MedGen C0950123, MeSH D030342.
Developmental and epileptic encephalopathy, 12 (DEE12). Identifiers: MedGen C3150988, MONDO:0013389, OMIM 613722.

Allele frequency attached by ClinVar (database versions not stated): gnomAD exomes below 0.00001; gnomAD 0.00001.
gnomAD v4.1: 2 of 1,611,022 alleles (0.00012%); highest among the groups gnomAD compares: East Asian, 0.0022%; no homozygotes.

Submissions (2):

Labcorp Genetics (formerly Invitae), Labcorp
Classification: Likely benign for Developmental and epileptic encephalopathy, 12. Last evaluated: 2025-12-03. Review status: criteria provided, single submitter. Criteria: Invitae Variant Classification Sherloc (09022015). Collection method: clinical testing. Allele origin: germline.

Ambry Genetics
Classification: Uncertain significance for Inborn genetic diseases. Last evaluated: 2017-12-14. Review status: criteria provided, single submitter. Criteria: Ambry Variant Classification Scheme 2023. Collection method: clinical testing. Allele origin: germline.
Comment: The c.247-4C>T intronic variant results from a C to T substitution 4 nucleotides upstream from N/A in the PLCB1 gene. This nucleotide position is not well conserved in available vertebrate species. Using the BDGP and ESEfinder splice site prediction tools, this alteration is not predicted to have any significant effect on this splice acceptor site; however, direct evidence is unavailable. Since supporting evidence is limited at this time, the clinical significance of this alteration remains unclear.

NM_015192.4(PLCB1):c.247-4C>T

Gene: PLCB1 (phospholipase C beta 1; plus strand). Cytogenetic location: 20p12.3.
Variant type: single nucleotide variant.
Coding change: c.247-4C>T on transcript NM_015192.4 (MANE Select); 4 bases into the intron before coding-DNA position 247, C replaced by T.
Molecular consequence: intron variant.
Genome position (GRCh38, 1-based): chr20:8,628,290, C>T. VCF-style: chr20-8628290-C-T. GRCh37 (hg19) VCF-style: chr20-8608937-C-T.
Other names: c.247-4C>T (NM_182734.3).
Identifiers: ClinVar variation 1635617 (VCV001635617.10), dbSNP rs1183324381, ClinGen allele CA634570697.